The following is an entry in ClinVar:

NM_006384.4(CIB1):c.413_414del (p.Glu138fs)

Gene: CIB1 (calcium and integrin binding 1; minus strand). Cytogenetic location: 15q26.1.
Variant type: Microsatellite.
Coding change: c.413_414del on transcript NM_006384.4 (MANE Select); coding-DNA positions 413 to 414, 2 bases deleted (AG; older notation c.413_414delAG).
Protein change: p.Glu138fs; shifts the reading frame from glutamic acid 138.
Molecular consequence: frameshift variant. On other transcripts: non-coding transcript variant (2).
Genome position (GRCh38, 1-based): chr15:90,231,146-90,231,147, CT deleted on the plus strand (AG on the coding strand, the reverse complement: CIB1 is on the minus strand); deleting any 2 consecutive bases within chr15:90,231,146-90,231,150 gives the same sequence; the c. name uses the placement nearest the transcript's 3' end. VCF-style (leftmost placement, unchanged base first): chr15-90231145-CCT-C. GRCh37 (hg19) VCF-style: chr15-90774377-CCT-C.
Other names: c.533_534del, p.Glu178fs (NM_001277764.2); short protein forms E138fs, E178fs.
Identifiers: ClinVar variation 3693158 (VCV003693158.2).

ClinVar aggregate classification (germline): Pathogenic (1 of 4 stars; one submission).

Submission:

Labcorp Genetics (formerly Invitae), Labcorp
Classification: Pathogenic. Last evaluated: 2024-06-26. Review status: criteria provided, single submitter. Criteria: Invitae Variant Classification Sherloc (09022015). Collection method: clinical testing. Allele origin: germline.
Comment: This sequence change creates a premature translational stop signal (p.Glu178Glyfs*7) in the CIB1 gene. It is expected to result in an absent or disrupted protein product. Loss-of-function variants in CIB1 are known to be pathogenic (PMID: 30068544). This variant is not present in population databases (gnomAD no frequency). This variant has not been reported in the literature in individuals affected with CIB1-related conditions. Algorithms developed to predict the effect of sequence changes on RNA splicing suggest that this variant may disrupt the consensus splice site. For these reasons, this variant has been classified as Pathogenic.

Literature cited by the submitters: PubMed 30068544.